The following is an entry in ClinVar:

ClinVar aggregate classification (germline): Conflicting classifications of pathogenicity. Review status: criteria provided, conflicting classifications (1 of 4 stars). 3 submissions from 3 submitters: Likely pathogenic (1); Uncertain significance (2). Last evaluated 2026-04-14.

Conditions:
Congenital myasthenic syndrome 20. Also called: Myasthenic syndrome, congenital, 20, presynaptic. Identifiers: MedGen C4310694, MONDO:0014939, OMIM 617143.
Neuronopathy, distal hereditary motor, type 7A. Also called: Neuronopathy, distal hereditary motor, type viia; Neuronopathy, distal hereditary motor, autosomal dominant 7; HARPER-YOUNG MYOPATHY; HMN VIIA; NEURONOPATHY, DISTAL HEREDITARY MOTOR, HARDING TYPE VIIA; NEUROPATHY, DISTAL HEREDITARY MOTOR, HARDING TYPE VIIA. Identifiers: Orphanet 139589, MedGen C1834703, MONDO:0008024, OMIM 158580.

Allele frequency attached by ClinVar (database versions not stated): gnomAD 0.00001 and 0.00002; ExAC 0.00003; TOPMed 0.00003; gnomAD exomes 0.00006.
gnomAD v4.1: 18 of 1,614,100 alleles (0.0011%); highest among the groups gnomAD compares: Admixed American, 0.027%; no homozygotes.

Submissions (3):

Pediatric Neurology, Ankara Etlik City Hospital, Health Sciences University
Classification: Likely pathogenic for Congenital myasthenic syndrome 20. Last evaluated: 2026-04-14. Review status: criteria provided, single submitter. Criteria: ACMG Guidelines, 2015. Collection method: clinical testing. Allele origin: germline. Inheritance: Autosomal recessive inheritance. Affected: yes. Observed: 1 variant allele, 1 homozygote.

GeneDx
Classification: Uncertain significance. Last evaluated: 2025-08-08. Review status: criteria provided, single submitter. Criteria: GeneDx Variant Classification Process June 2021. Collection method: clinical testing. Allele origin: germline.
Comment: In silico analysis supports that this missense variant has a deleterious effect on protein structure/function; Has not been previously published as pathogenic or benign to our knowledge

Labcorp Genetics (formerly Invitae), Labcorp
Classification: Uncertain significance for Neuronopathy, distal hereditary motor, type 7A; Congenital myasthenic syndrome 20. Last evaluated: 2025-07-16. Review status: criteria provided, single submitter. Criteria: Invitae Variant Classification Sherloc (09022015). Collection method: clinical testing. Allele origin: germline.
Comment: This sequence change replaces leucine, which is neutral and non-polar, with phenylalanine, which is neutral and non-polar, at codon 129 of the SLC5A7 protein (p.Leu129Phe). This variant is present in population databases (rs748901270, gnomAD 0.04%). This variant has not been reported in the literature in individuals affected with SLC5A7-related conditions. ClinVar contains an entry for this variant (Variation ID: 572646). Invitae Evidence Modeling of protein sequence and biophysical properties (such as structural, functional, and spatial information, amino acid conservation, physicochemical variation, residue mobility, and thermodynamic stability) indicates that this missense variant is not expected to disrupt SLC5A7 protein function with a negative predictive value of 80%. In summary, the available evidence is currently insufficient to determine the role of this variant in disease. Therefore, it has been classified as a Variant of Uncertain Significance.

NM_021815.5(SLC5A7):c.385C>T (p.Leu129Phe)

Gene: SLC5A7 (solute carrier family 5 member 7; plus strand). Cytogenetic location: 2q12.3.
Variant type: single nucleotide variant.
Coding change: c.385C>T on transcript NM_021815.5 (MANE Select); coding-DNA position 385, C replaced by T.
Protein change: p.Leu129Phe; replaces leucine 129 with phenylalanine.
Molecular consequence: missense variant. On other transcripts: 5 prime UTR variant (1).
Genome position (GRCh38, 1-based): chr2:107,993,064, C>T. VCF-style: chr2-107993064-C-T. GRCh37 (hg19) VCF-style: chr2-108609520-C-T.
Other names: c.385C>T, p.Leu129Phe (NM_001305005.3); c.70C>T, p.Leu24Phe (NM_001305006.3); c.-320C>T (NM_001305007.3); short protein forms L129F, L24F.
Identifiers: ClinVar variation 572646 (VCV000572646.10), dbSNP rs748901270, ClinGen allele CA1818943.